The following is an entry in ClinVar:

NM_001148.6(ANK2):c.11632C>A (p.Pro3878Thr)

Gene: ANK2 (ankyrin 2; plus strand). Cytogenetic location: 4q26.
Variant type: single nucleotide variant.
Coding change: c.11632C>A on transcript NM_001148.6 (MANE Select); coding-DNA position 11632, C replaced by A.
Protein change: p.Pro3878Thr; replaces proline 3878 with threonine.
Molecular consequence: missense variant. On other transcripts: intron variant (1).
Genome position (GRCh38, 1-based): chr4:113,373,111, C>A. VCF-style: chr4-113373111-C-A. GRCh37 (hg19) VCF-style: chr4-114294267-C-A.
Other names: c.5350C>A, p.Pro1784Thr (NM_001127493.3); c.5389C>A, p.Pro1797Thr (NM_001354225.2); c.5371C>A, p.Pro1791Thr (NM_001354228.2); c.5356C>A, p.Pro1786Thr (NM_001354230.2); c.5512C>A, p.Pro1838Thr (NM_001354231.2); c.5506C>A, p.Pro1836Thr (NM_001354232.2); c.5467C>A, p.Pro1823Thr (NM_001354235.2); c.5275C>A, p.Pro1759Thr (NM_001354236.2); and 44 more; short protein forms P1693T, P1722T, P1739T, P1746T, P1771T, P1784T, P1791T, P1814T.
Identifiers: ClinVar variation 1040884 (VCV001040884.5), dbSNP rs369756604, ClinGen allele CA3052337.

ClinVar aggregate classification (germline): Uncertain significance (1 of 4 stars; one submission).

Conditions:
Long QT syndrome (LQTS). Identifiers: MedGen C0023976, MeSH D008133, MONDO:0002442. Disease mechanism: loss of function. Inheritance: Various modes of inheritance.

Allele frequency attached by ClinVar (database versions not stated): gnomAD exomes 0.00001; ExAC 0.00002.
gnomAD v4.1: 5 of 1,614,008 alleles (0.00031%); highest among the groups gnomAD compares: South Asian, 0.0011%; no homozygotes.

Submission:

Labcorp Genetics (formerly Invitae), Labcorp
Classification: Uncertain significance for Long QT syndrome. Last evaluated: 2020-10-09. Review status: criteria provided, single submitter. Criteria: Invitae Variant Classification Sherloc (09022015). Collection method: clinical testing. Allele origin: germline.
Comment: This sequence change replaces proline with threonine at codon 3878 of the ANK2 protein (p.Pro3878Thr). The proline residue is moderately conserved and there is a small physicochemical difference between proline and threonine. This variant is present in population databases (rs369756604, ExAC 0.003%). This variant has not been reported in the literature in individuals with ANK2-related conditions. Algorithms developed to predict the effect of missense changes on protein structure and function are either unavailable or do not agree on the potential impact of this missense change (SIFT: "Tolerated"; PolyPhen-2: "Probably Damaging"; Align-GVGD: "Class C0"). In summary, the available evidence is currently insufficient to determine the role of this variant in disease. Therefore, it has been classified as a Variant of Uncertain Significance.